The following is an entry in ClinVar:

ClinVar aggregate classification (germline): Uncertain significance. Review status: criteria provided, multiple submitters, no conflicts (2 of 4 stars). 2 submissions from 2 submitters: Uncertain significance (2). Last evaluated 2022-08-22.

Conditions:
Inborn genetic diseases. Identifiers: MedGen C0950123, MeSH D030342.

Allele frequency attached by ClinVar (database versions not stated): ESP Exome Variant Server 0.00031.
gnomAD v4.1: 346 of 1,611,924 alleles (0.021%); highest among the groups gnomAD compares: Middle Eastern, 0.033%; 1 homozygote.

Submissions (2):

Ambry Genetics
Classification: Uncertain significance for Inborn genetic diseases. Last evaluated: 2022-08-22. Review status: criteria provided, single submitter. Criteria: Ambry Variant Classification Scheme 2023. Collection method: clinical testing. Allele origin: germline.

Labcorp Genetics (formerly Invitae), Labcorp
Classification: Uncertain significance. Last evaluated: 2022-06-22. Review status: criteria provided, single submitter. Criteria: Invitae Variant Classification Sherloc (09022015). Collection method: clinical testing. Allele origin: germline.
Comment: This sequence change replaces arginine, which is basic and polar, with tryptophan, which is neutral and slightly polar, at codon 637 of the ADAMTSL4 protein (p.Arg637Trp). This variant is present in population databases (rs138536216, gnomAD 0.02%). This variant has not been reported in the literature in individuals affected with ADAMTSL4-related conditions. Algorithms developed to predict the effect of missense changes on protein structure and function (SIFT, PolyPhen-2, Align-GVGD) all suggest that this variant is likely to be disruptive. In summary, the available evidence is currently insufficient to determine the role of this variant in disease. Therefore, it has been classified as a Variant of Uncertain Significance.

NM_019032.6(ADAMTSL4):c.1909C>T (p.Arg637Trp)

Genes: ADAMTSL4-AS2 (ADAMTSL4 antisense RNA 2; minus strand), ADAMTSL4 (ADAMTS like 4; plus strand). Cytogenetic location: 1q21.2.
Variant type: single nucleotide variant.
Coding change: c.1909C>T on transcript NM_019032.6 (MANE Select); coding-DNA position 1909, C replaced by T.
Protein change: p.Arg637Trp; replaces arginine 637 with tryptophan.
Molecular consequence: missense variant. On other transcripts: intron variant (1).
Genome position (GRCh38, 1-based): chr1:150,557,197, C>T. VCF-style: chr1-150557197-C-T. GRCh37 (hg19) VCF-style: chr1-150529673-C-T.
Other names: c.1978C>T, p.Arg660Trp (NM_001288608.2); c.1909C>T, p.Arg637Trp (NM_001378596.1, NM_025008.5); c.1857-65C>T (NM_001288607.2); c.1909C>T (NM_019032.4); short protein forms R637W, R660W.
Identifiers: ClinVar variation 1408588 (VCV001408588.4), dbSNP rs138536216, ClinGen allele CA1078454.